The following is an entry in ClinVar:

NM_001242882.2(NAXD):c.697A>G (p.Ile233Val)

Gene: NAXD (NAD(P)HX dehydratase; plus strand). Cytogenetic location: 13q34.
Variant type: single nucleotide variant.
Coding change: c.697A>G on transcript NM_001242882.2 (MANE Select); coding-DNA position 697, A replaced by G.
Protein change: p.Ile233Val; replaces isoleucine 233 with valine.
Molecular consequence: missense variant. On other transcripts: non-coding transcript variant (2).
Genome position (GRCh38, 1-based): chr13:110,635,567, A>G. VCF-style: chr13-110635567-A-G. GRCh37 (hg19) VCF-style: chr13-111287914-A-G.
Other names: c.751A>G, p.Ile251Val (NM_001242881.2, NM_018210.4); c.421A>G, p.Ile141Val (NM_001242883.2); short protein forms I233V, I141V, I251V.
Identifiers: ClinVar variation 2102568 (VCV002102568.4), dbSNP rs956219111, ClinGen allele CA256314348.

ClinVar aggregate classification (germline): Uncertain significance (1 of 4 stars; one submission).

Submission:

Labcorp Genetics (formerly Invitae), Labcorp
Classification: Uncertain significance. Last evaluated: 2022-06-07. Review status: criteria provided, single submitter. Criteria: Invitae Variant Classification Sherloc (09022015). Collection method: clinical testing. Allele origin: germline.
Comment: This sequence change replaces isoleucine, which is neutral and non-polar, with valine, which is neutral and non-polar, at codon 251 of the NAXD protein (p.Ile251Val). This variant is not present in population databases (gnomAD no frequency). This variant has not been reported in the literature in individuals affected with NAXD-related conditions. Algorithms developed to predict the effect of missense changes on protein structure and function output the following: SIFT: "Tolerated"; PolyPhen-2: "Benign"; Align-GVGD: "Class C0". The valine amino acid residue is found in multiple mammalian species, which suggests that this missense change does not adversely affect protein function. In summary, the available evidence is currently insufficient to determine the role of this variant in disease. Therefore, it has been classified as a Variant of Uncertain Significance.